The following is an entry in ClinVar:

ClinVar aggregate classification (germline): Uncertain significance (1 of 4 stars; one submission).

Allele frequency attached by ClinVar (database versions not stated): ExAC 0.00002; TOPMed 0.00004; gnomAD 0.00005.
gnomAD v4.1: 37 of 1,613,954 alleles (0.0023%); highest among the groups gnomAD compares: Admixed American, 0.005%; no homozygotes.

Submission:

Labcorp Genetics (formerly Invitae), Labcorp
Classification: Uncertain significance. Last evaluated: 2022-02-12. Review status: criteria provided, single submitter. Criteria: Invitae Variant Classification Sherloc (09022015). Collection method: clinical testing. Allele origin: germline.
Comment: Algorithms developed to predict the effect of missense changes on protein structure and function are either unavailable or do not agree on the potential impact of this missense change (SIFT: "Not Available"; PolyPhen-2: "Probably Damaging"; Align-GVGD: "Not Available"). In summary, the available evidence is currently insufficient to determine the role of this variant in disease. Therefore, it has been classified as a Variant of Uncertain Significance. This variant has not been reported in the literature in individuals affected with ADD3-related conditions. This variant is present in population databases (rs754629258, gnomAD 0.004%). This sequence change replaces isoleucine, which is neutral and non-polar, with valine, which is neutral and non-polar, at codon 219 of the ADD3 protein (p.Ile219Val).

NM_016824.5(ADD3):c.655A>G (p.Ile219Val)

Gene: ADD3 (adducin 3; plus strand). Cytogenetic location: 10q25.2.
Variant type: single nucleotide variant.
Coding change: c.655A>G on transcript NM_016824.5 (MANE Select); coding-DNA position 655, A replaced by G.
Protein change: p.Ile219Val; replaces isoleucine 219 with valine.
Molecular consequence: missense variant.
Genome position (GRCh38, 1-based): chr10:110,118,674, A>G. VCF-style: chr10-110118674-A-G. GRCh37 (hg19) VCF-style: chr10-111878432-A-G.
Other names: c.655A>G, p.Ile219Val (NM_001121.4, NM_001320591.2, NM_001320592.2 and 2 more transcripts); c.421A>G, p.Ile141Val (NM_001320594.2); short protein forms I141V, I219V.
Identifiers: ClinVar variation 2420651 (VCV002420651.5), dbSNP rs754629258, ClinGen allele CA5686425.